The following is an entry in ClinVar:

NM_012330.4(KAT6B):c.3231_3242del (p.Asp1077_Glu1080del)

Gene: KAT6B (lysine acetyltransferase 6B; plus strand). Cytogenetic location: 10q22.2.
Variant type: Deletion.
Coding change: c.3231_3242del on transcript NM_012330.4 (MANE Select); coding-DNA positions 3231 to 3242, 12 bases deleted (CGAGGAGGAGGA).
Protein change: p.Asp1077_Glu1080del.
Molecular consequence: inframe deletion.
Genome position (GRCh38, 1-based): chr10:75,022,090-75,022,101, CGAGGAGGAGGA deleted; deleting any 12 consecutive bases within chr10:75,022,079-75,022,101 gives the same sequence; the c. name uses the placement nearest the transcript's 3' end. VCF-style (leftmost placement, unchanged base first): chr10-75022078-GGAGGAGGAGGAC-G. GRCh37 (hg19) VCF-style: chr10-76781836-GGAGGAGGAGGAC-G.
Other names: c.2682_2693del, p.Asp894_Glu897del (NM_001256468.2, NM_001370138.1); c.2355_2366del, p.Asp785_Glu788del (NM_001256469.2, NM_001370139.1, NM_001370140.1 and 2 more transcripts); c.2193_2204del, p.Asp731_Glu734del (NM_001370132.1); c.1542_1553del, p.Asp514_Glu517del (NM_001370133.1); c.1146_1157del, p.Asp382_Glu385del (NM_001370134.1); c.888_899del, p.Asp296_Glu299del (NM_001370135.1); c.3231_3242del, p.Asp1077_Glu1080del (NM_001370136.1, NM_001370137.1); c.2166_2177del, p.Asp722_Glu725del (NM_001370143.1, NM_001370144.1).
Identifiers: ClinVar variation 260236 (VCV000260236.44), dbSNP rs569172957, ClinGen allele CA5564750.

ClinVar aggregate classification (germline): Conflicting classifications of pathogenicity. Review status: criteria provided, conflicting classifications (1 of 4 stars). 8 submissions from 8 submitters: Uncertain significance (1); Benign (3); Likely benign (2). 2 of the submissions do not count toward it. Last evaluated 2026-08-01.

Conditions:
Blepharophimosis - intellectual disability syndrome, SBBYS type (SBBYSS). Also called: Say-Barber-Biesecker variant of Ohdo syndrome (SBBYSS); Say-Barber-Biesecker Variant of Ohdo Syndrome; Say-Barber-Biesecker-Young-Simpson syndrome; Ohdo syndrome, SBBYS variant; SBBYSS syndrome; Young Simpson syndrome. Identifiers: Orphanet 3047, MedGen C1863557, MONDO:0011365, OMIM 603736.
Genitopatellar syndrome (GTPTS). Also called: Genitopatellar syndrome (GPS); ABSENT PATELLAE, SCROTAL HYPOPLASIA, RENAL ANOMALIES, FACIAL DYSMORPHISM, AND MENTAL RETARDATION. Identifiers: Orphanet 85201, MedGen C1853566, MONDO:0011640, OMIM 606170.

Submissions (8):

CeGaT Center for Human Genetics Tuebingen
Classification: Likely benign. Last evaluated: 2026-08-01. Review status: criteria provided, single submitter. Criteria: CeGaT Center For Human Genetics Tuebingen Variant Classification Criteria Version 2. Collection method: clinical testing. Allele origin: germline. Affected: yes. Observed: 19 variant alleles.
Comment: KAT6B: BS1

Labcorp Genetics (formerly Invitae), Labcorp
Classification: Benign for Genitopatellar syndrome. Last evaluated: 2026-02-01. Review status: criteria provided, single submitter. Criteria: Invitae Variant Classification Sherloc (09022015). Collection method: clinical testing. Allele origin: germline.

Blueprint Genetics
Classification: Likely benign. Last evaluated: 2024-11-27. Review status: criteria provided, single submitter. Criteria: ACMG Guidelines, 2015. Collection method: clinical testing. Allele origin: germline.

GeneDx
Classification: Benign. Last evaluated: 2020-06-03. Review status: criteria provided, single submitter. Criteria: GeneDx Variant Classification Process June 2021. Collection method: clinical testing. Allele origin: germline. Affected: yes.

Center for Genomics, Ann and Robert H. Lurie Children's Hospital of Chicago
Classification: Uncertain significance for Blepharophimosis - intellectual disability syndrome, SBBYS type; Genitopatellar syndrome. Last evaluated: 2017-08-01. Review status: criteria provided, single submitter. Criteria: ACMG Guidelines, 2015. Collection method: clinical testing. Allele origin: germline.
Comment: This variant is not present in large control databases. This variant is present in ClinVar (Variation ID:260236). Evolutionary conservation and computational predictive tools for this variant are limited or unavailable. This variant represents an in-frame deletion of 4 amino acids at position 1077 and is not predicted to alter the reading frame. However, the effect of this variant on the protein is unclear. In summary, data on this variant is insufficient for disease classification. Therefore, the clinical significance of this variant is uncertain.

PreventionGenetics, part of Exact Sciences
Classification: Benign. Review status: criteria provided, single submitter. Criteria: ACMG Guidelines, 2015. Collection method: clinical testing. Allele origin: germline.

Diagnostic Laboratory, Department of Genetics, University Medical Center Groningen
Classification: Likely benign. Review status: no assertion criteria provided. Collection method: clinical testing. Allele origin: germline. Affected: yes. Study: VKGL Data-share Consensus. Not counted in ClinVar's aggregate classification.

Laboratory of Diagnostic Genome Analysis, Leiden University Medical Center (LUMC)
Classification: Likely benign. Review status: no assertion criteria provided. Collection method: clinical testing. Allele origin: germline. Affected: yes. Study: VKGL Data-share Consensus. Not counted in ClinVar's aggregate classification.